The following is an entry in ClinVar:

ClinVar aggregate classification (germline): Uncertain significance. Review status: criteria provided, multiple submitters, no conflicts (2 of 4 stars). 2 submissions from 2 submitters: Uncertain significance (2). Last evaluated 2023-06-08.

Conditions:
Marfan syndrome (MFS). Also called: Marfan syndrome, classic; Marfan syndrome type 1; Marfan's syndrome; FBN1-Related Marfan Syndrome; MARFAN SYNDROME, TYPE I. Identifiers: Orphanet 284963, Orphanet 558, MedGen C0024796, MONDO:0007947, OMIM 154700.
Familial thoracic aortic aneurysm and aortic dissection (TAAD). Also called: Thoracic aortic aneurysms and dissections. Identifiers: Orphanet 91387, MedGen C4707243, MONDO:0019625.

Allele frequency attached by ClinVar (database versions not stated): gnomAD 0.00001; gnomAD exomes 0.00001 and below 0.00001; TOPMed below 0.00001; ExAC 0.00001.
gnomAD v4.1: 13 of 1,613,416 alleles (0.00081%); highest among the groups gnomAD compares: South Asian, 0.0022%; no homozygotes.

Submissions (2):

All of Us Research Program, National Institutes of Health
Classification: Uncertain significance for Marfan syndrome. Last evaluated: 2023-06-08. Review status: criteria provided, single submitter. Criteria: ACMG Guidelines, 2015. Collection method: clinical testing. Allele origin: germline. Inheritance: Autosomal dominant inheritance. Observed: 2 variant alleles, 2 heterozygotes.
Comment: This missense variant replaces asparagine with serine at codon 1913 of the FBN1 protein. Computational prediction suggests that this variant may not impact protein structure and function (internally defined REVEL score threshold <= 0.5, PMID: 27666373). To our knowledge, functional studies have not been reported for this variant. This variant has not been reported in individuals affected with cardiovascular disorders in the literature. This variant has been identified in 1/251028 chromosomes in the general population by the Genome Aggregation Database (gnomAD). The available evidence is insufficient to determine the role of this variant in disease conclusively. Therefore, this variant is classified as a Variant of Uncertain Significance.

This study involves interpretation of variants in research participants for the purpose of population health screening. Participant phenotype was not available at the time of variant classification. Additional details can be found in publication PMID: 35346344, PMCID: PMC8962531

Color Diagnostics, LLC DBA Color Health
Classification: Uncertain significance for Familial thoracic aortic aneurysm and aortic dissection. Last evaluated: 2022-08-24. Review status: criteria provided, single submitter. Criteria: ACMG Guidelines, 2015. Collection method: clinical testing. Allele origin: germline.
Comment: This missense variant replaces asparagine with serine at codon 1913 of the FBN1 protein. Computational prediction suggests that this variant may not impact protein structure and function (internally defined REVEL score threshold <= 0.5, PMID: 27666373). To our knowledge, functional studies have not been reported for this variant. This variant has not been reported in individuals affected with cardiovascular disorders in the literature. This variant has been identified in 1/251028 chromosomes in the general population by the Genome Aggregation Database (gnomAD). The available evidence is insufficient to determine the role of this variant in disease conclusively. Therefore, this variant is classified as a Variant of Uncertain Significance.

NM_000138.5(FBN1):c.5738A>G (p.Asn1913Ser)

Gene: FBN1 (fibrillin 1; minus strand). Cytogenetic location: 15q21.1.
Variant type: single nucleotide variant.
Coding change: c.5738A>G on transcript NM_000138.5 (MANE Select); coding-DNA position 5738, A replaced by G.
Protein change: p.Asn1913Ser; replaces asparagine 1913 with serine.
Molecular consequence: missense variant.
Genome position (GRCh38, 1-based): chr15:48,446,756, T>C on the plus strand (A>G on the coding strand, the complement: FBN1 is on the minus strand). VCF-style: chr15-48446756-T-C. GRCh37 (hg19) VCF-style: chr15-48738953-T-C.
Other names: short protein forms N1913S.
Identifiers: ClinVar variation 926906 (VCV000926906.6), dbSNP rs749606552, ClinGen allele CA055467.